The following is an entry in ClinVar:

NM_001267052.2(UNC45B):c.403G>C (p.Asp135His)

Gene: UNC45B (unc-45 myosin chaperone B; plus strand). Cytogenetic location: 17q12.
Variant type: single nucleotide variant.
Coding change: c.403G>C on transcript NM_001267052.2 (MANE Select); coding-DNA position 403, G replaced by C.
Protein change: p.Asp135His; replaces aspartic acid 135 with histidine.
Molecular consequence: missense variant.
Genome position (GRCh38, 1-based): chr17:35,152,914, G>C. VCF-style: chr17-35152914-G-C. GRCh37 (hg19) VCF-style: chr17-33479933-G-C.
Other names: c.403G>C, p.Asp135His (NM_001033576.2, NM_001308281.1, NM_173167.3); short protein forms D135H.
Identifiers: ClinVar variation 4072528 (VCV004072528.1).
Genomic context (GRCh38, chr17:35,152,914, plus strand): 5'-CCCACCTGCCTCCTTCCCCACTCCCTCCTCTCTCCTCAGCTCCGAGTGCAGTTCTCCACA[G>C]ACTCGAGGGTACAGAAGATGTTTGAGATCCTCTTGGATGAAAACAGTGAGGCTGATAAGC-3'
Protein context (NP_001253981.1, residues 125-145): QEKLRVQFST[Asp135His]SRVQKMFEIL

ClinVar aggregate classification (germline): Uncertain significance (1 of 4 stars; one submission).

gnomAD v4.1: 2 of 1,614,080 alleles (0.00012%); highest among the groups gnomAD compares: Non-Finnish European, 0.00017%; no homozygotes.

Submission:

GeneDx
Classification: Uncertain significance. Last evaluated: 2025-01-30. Review status: criteria provided, single submitter. Criteria: GeneDx Variant Classification Process June 2021. Collection method: clinical testing. Allele origin: germline. Affected: yes.
Comment: Not observed at significant frequency in large population cohorts (gnomAD); In silico analysis supports that this missense variant has a deleterious effect on protein structure/function; Has not been previously published as pathogenic or benign to our knowledge